The following is an entry in ClinVar:

NM_007194.4(CHEK2):c.1085_1088del (p.Cys362fs)

Gene: CHEK2 (checkpoint kinase 2; minus strand). Cytogenetic location: 22q12.1.
Variant type: Deletion.
Coding change: c.1085_1088del on transcript NM_007194.4 (MANE Select); coding-DNA positions 1085 to 1088, 4 bases deleted (GTCT; older notation c.1085_1088delGTCT).
Protein change: p.Cys362fs; shifts the reading frame from cysteine 362.
Molecular consequence: frameshift variant. On other transcripts: intron variant (3).
Genome position (GRCh38, 1-based): chr22:28,696,908-28,696,911, AGAC deleted on the plus strand (GTCT on the coding strand, the reverse complement: CHEK2 is on the minus strand); deleting any 4 consecutive bases within chr22:28,696,908-28,696,913 gives the same sequence; the c. name uses the placement nearest the transcript's 3' end. VCF-style (leftmost placement, unchanged base first): chr22-28696907-AAGAC-A. GRCh37 (hg19) VCF-style: chr22-29092895-AAGAC-A.
Other names: c.1214_1217del, p.Cys405fs (NM_001005735.3); c.422_425del, p.Cys141fs (NM_001257387.3, NM_001437942.1); c.884_887del, p.Cys295fs (NM_001349956.3); c.1178_1181del, p.Cys393fs (NM_001438293.1); c.1009-1038_1009-1035del (NM_145862.3); c.1102-1038_1102-1035del (NM_001438295.1); c.1138-1038_1138-1035del (NM_001438294.1); short protein forms C141fs, C295fs, C362fs, C405fs, C393fs.
Identifiers: ClinVar variation 2681870 (VCV002681870.1), dbSNP rs2517820275, ClinGen allele CA2697552664.

ClinVar aggregate classification (germline): Pathogenic (1 of 4 stars; one submission).

Submission:

Quest Diagnostics Nichols Institute San Juan Capistrano
Classification: Pathogenic. Last evaluated: 2023-01-25. Review status: criteria provided, single submitter. Criteria: Quest Diagnostics criteria. Collection method: clinical testing. Allele origin: unknown.
Comment: This frameshift variant alters the translational reading frame of the CHEK2 mRNA and causes the premature termination of CHEK2 protein synthesis. The variant has not been reported in individuals with CHEK2-related diseases in the published literature. It also has not been reported in large, multi-ethnic general populations. Based on the available information, this variant is classified as pathogenic.